The following is an entry in ClinVar:

ClinVar aggregate classification (germline): Uncertain significance. Review status: criteria provided, multiple submitters, no conflicts (2 of 4 stars). 2 submissions from 2 submitters: Uncertain significance (2). Last evaluated 2025-07-24.

Conditions:
Cortical dysplasia, complex, with other brain malformations 11 (CDCBM11). Identifiers: MedGen C5774270, MONDO:0859332, OMIM 620156.

Allele frequency attached by ClinVar (database versions not stated): TOPMed 0.00004; ExAC 0.00012; gnomAD exomes 0.00007; gnomAD 0.00004.
gnomAD v4.1: 103 of 1,591,488 alleles (0.0065%); highest among the groups gnomAD compares: Middle Eastern, 0.016%; no homozygotes.

Submissions (2):

Dasa
Classification: Uncertain significance for Cortical dysplasia, complex, with other brain malformations 11. Last evaluated: 2025-07-24. Review status: criteria provided, single submitter. Criteria: DASA Assertion Criteria. Collection method: clinical testing. Allele origin: germline.
Comment: NM_015656.2(KIF26A):c.2678C>T (p.Pro893Leu) is a missense variant that results in the substitution of proline with leucine. This variant is rare in population databases. Computational prediction algorithms are consistent with a benign effect. The currently available literature and clinical evidence are not sufficient to establish a definitive association between this variant and the reported condition. Therefore, this variant is classified as a variant of uncertain significance.

Ambry Genetics
Classification: Uncertain significance. Last evaluated: 2024-11-15. Review status: criteria provided, single submitter. Criteria: Ambry Variant Classification Scheme 2023. Collection method: clinical testing. Allele origin: germline.

NM_015656.2(KIF26A):c.2678C>T (p.Pro893Leu)

Gene: KIF26A (kinesin family member 26A; plus strand). Cytogenetic location: 14q32.33.
Variant type: single nucleotide variant.
Coding change: c.2678C>T on transcript NM_015656.2 (MANE Select); coding-DNA position 2678, C replaced by T.
Protein change: p.Pro893Leu; replaces proline 893 with leucine.
Molecular consequence: missense variant.
Genome position (GRCh38, 1-based): chr14:104,175,466, C>T. VCF-style: chr14-104175466-C-T. GRCh37 (hg19) VCF-style: chr14-104641803-C-T.
Other names: short protein forms P893L.
Identifiers: ClinVar variation 2365839 (VCV002365839.5), dbSNP rs201138059, ClinGen allele CA7370839.
Genomic context (GRCh38, chr14:104,175,466, plus strand): 5'-GAGGGGGCCGGAAGCCCTCGCCACCAGAGGCTGCATCCCCCAGGAAGGCCGTGGGCACCC[C>T]GATGGCTGCCAGCACCCCTCGAGGCAGTTCTGGTCCAGACACCCACCAGGGTACCCCTGA-3'
Protein context (NP_056471.1, residues 883-903): AASPRKAVGT[Pro893Leu]MAASTPRGSS